The following is an entry in ClinVar:

NM_017780.4(CHD7):c.1046A>G (p.Asn349Ser)

Gene: CHD7 (chromodomain helicase DNA binding protein 7; plus strand). Cytogenetic location: 8q12.2.
Variant type: single nucleotide variant.
Coding change: c.1046A>G on transcript NM_017780.4 (MANE Select); coding-DNA position 1046, A replaced by G.
Protein change: p.Asn349Ser; replaces asparagine 349 with serine.
Molecular consequence: missense variant.
Genome position (GRCh38, 1-based): chr8:60,742,478, A>G. VCF-style: chr8-60742478-A-G. GRCh37 (hg19) VCF-style: chr8-61655037-A-G.
Other names: c.1046A>G, p.Asn349Ser (NM_001316690.1); short protein forms N349S.
Identifiers: ClinVar variation 195325 (VCV000195325.32), dbSNP rs200644351, ClinGen allele CA241708.

ClinVar aggregate classification (germline): Conflicting classifications of pathogenicity. Review status: criteria provided, conflicting classifications (1 of 4 stars). 10 submissions from 10 submitters: Uncertain significance (2); Likely benign (6). 2 of the submissions do not count toward it. Last evaluated 2026-06-01.

Conditions:
CHD7-related disorder. Also called: CHD7-related condition.
Inborn genetic diseases. Identifiers: MedGen C0950123, MeSH D030342.
Hypogonadotropic hypogonadism 5 with or without anosmia (KAL5). Also called: HYPOGONADOTROPIC HYPOGONADISM 5 WITH ANOSMIA; HYPOGONADOTROPHIC HYPOGONADISM 5 WITHOUT ANOSMIA; CHD7-Related GnRH Deficiency (Kallmann Syndrome 5). Identifiers: Orphanet 478, MedGen C3552553, MONDO:0012880, OMIM 612370. Disease mechanism: loss of function.
CHARGE syndrome (CHARGE). Also called: Coloboma, heart anomaly, choanal atresia, retardation, genital and ear anomalies; CHARGE association; Hall-Hittner syndrome; CHARGE ASSOCIATION--COLOBOMA, HEART ANOMALY, CHOANAL ATRESIA, RETARDATION, GENITAL AND EAR ANOMALIES; Hittner Hirsch Kreh syndrome. Identifiers: Orphanet 138, MedGen C0265354, MONDO:0008965.

Allele frequency attached by ClinVar (database versions not stated): ExAC 0.00008; gnomAD exomes 0.00010 and 0.00023; ESP Exome Variant Server 0.00016; gnomAD 0.00016 and 0.00019; TOPMed 0.00022.
gnomAD v4.1: 361 of 1,613,858 alleles (0.022%); highest among the groups gnomAD compares: Non-Finnish European, 0.028%; no homozygotes.

Submissions (10):

CeGaT Center for Human Genetics Tuebingen
Classification: Likely benign. Last evaluated: 2026-06-01. Review status: criteria provided, single submitter. Criteria: CeGaT Center For Human Genetics Tuebingen Variant Classification Criteria Version 2. Collection method: clinical testing. Allele origin: germline. Affected: yes. Observed: 2 variant alleles.
Comment: CHD7: BP4, BS2

Labcorp Genetics (formerly Invitae), Labcorp
Classification: Likely benign for CHARGE syndrome. Last evaluated: 2025-12-21. Review status: criteria provided, single submitter. Criteria: Invitae Variant Classification Sherloc (09022015). Collection method: clinical testing. Allele origin: germline.

PreventionGenetics, part of Exact Sciences
Classification: Likely benign for CHD7-related condition. Last evaluated: 2025-11-13. Review status: criteria provided, single submitter. Criteria: ACMG Guidelines, 2015. Collection method: clinical testing. Allele origin: germline.
Comment: This variant is classified as likely benign based on ACMG/AMP sequence variant interpretation guidelines (Richards et al. 2015 PMID: 25741868, with internal and published modifications).

Ambry Genetics
Classification: Likely benign for Inborn genetic diseases. Last evaluated: 2021-09-15. Review status: criteria provided, single submitter. Criteria: Ambry Variant Classification Scheme 2023. Collection method: clinical testing. Allele origin: germline.

GeneDx
Classification: Likely benign. Last evaluated: 2021-04-20. Review status: criteria provided, single submitter. Criteria: GeneDx Variant Classification Process June 2021. Collection method: clinical testing. Allele origin: germline. Affected: yes.

Illumina Laboratory Services, Illumina
Classification: Likely benign for Kallmann Syndrome 5. Last evaluated: 2018-01-12. Review status: criteria provided, single submitter. Criteria: ICSL Variant Classification Criteria 13 December 2019. Collection method: clinical testing. Allele origin: germline.
Comment: This variant was observed in the ICSL laboratory as part of a predisposition screen in an ostensibly healthy population. It had not been previously curated by ICSL or reported in the Human Gene Mutation Database (HGMD: prior to June 1st, 2018), and was therefore a candidate for classification through an automated scoring system. Utilizing variant allele frequency, disease prevalence and penetrance estimates, and inheritance mode, an automated score was calculated to assess if this variant is too frequent to cause the disease. Based on the score and internal cut-off values, a variant classified as likely benign is not then subjected to further curation. The score for this variant resulted in a classification of likely benign for this disease.

Center for Pediatric Genomic Medicine, Children's Mercy Hospital and Clinics
Classification: Uncertain significance. Last evaluated: 2017-06-15. Review status: criteria provided, single submitter. Criteria: ACMG Guidelines, 2015. Collection method: clinical testing. Allele origin: germline.

Eurofins Ntd Llc (ga)
Classification: Uncertain significance. Last evaluated: 2016-05-12. Review status: criteria provided, single submitter. Criteria: EGL Classification Definitions 2015. Collection method: clinical testing. Allele origin: germline. Observed: 3 variant alleles, 3 heterozygotes.

Clinical Genetics DNA and cytogenetics Diagnostics Lab, Erasmus MC, Erasmus Medical Center
Classification: Likely benign. Review status: no assertion criteria provided. Collection method: clinical testing. Allele origin: germline. Affected: yes. Study: VKGL Data-share Consensus. Not counted in ClinVar's aggregate classification.

Joint Genome Diagnostic Labs from Nijmegen and Maastricht, Radboudumc and MUMC+
Classification: Likely benign. Review status: no assertion criteria provided. Collection method: clinical testing. Allele origin: germline. Affected: yes. Study: VKGL Data-share Consensus. Not counted in ClinVar's aggregate classification.